The following is an entry in ClinVar:

NM_012203.2(GRHPR):c.361dup (p.Thr121fs)

Gene: GRHPR (glyoxylate and hydroxypyruvate reductase; plus strand). Cytogenetic location: 9p13.2.
Variant type: Duplication.
Coding change: c.361dup on transcript NM_012203.2 (MANE Select); coding-DNA position 361, one base duplicated (A; older notation c.361dupA).
Protein change: p.Thr121fs; shifts the reading frame from threonine 121.
Molecular consequence: frameshift variant.
Genome position (GRCh38, 1-based): chr9:37,426,611, A duplicated. VCF-style (leftmost placement, unchanged base first): chr9-37426610-T-TA. GRCh37 (hg19) VCF-style: chr9-37426607-T-TA.
Other names: short protein forms T121fs.
Identifiers: ClinVar variation 1075299 (VCV001075299.8), dbSNP rs749029919, ClinGen allele CA5059015.
Genomic context (GRCh38, chr9:37,426,610, plus strand): 5'-TGGCTACACCCCAGATGTCCTGACAGATACCACCGCCGAACTCGCAGTCTCCCTGCTACT[T>TA]ACCACCTGCCGCCGGTTGCCGGAGGCCATCGAGGAAGTGAAGAAGTAAGTGAACGCAGAC-3'

ClinVar aggregate classification (germline): Pathogenic (1 of 4 stars; one submission).

Allele frequency attached by ClinVar (database versions not stated): ExAC 0.00002; gnomAD exomes below 0.00001 and 0.00001.

Submission:

Labcorp Genetics (formerly Invitae), Labcorp
Classification: Pathogenic. Last evaluated: 2026-01-11. Review status: criteria provided, single submitter. Criteria: Invitae Variant Classification Sherloc (09022015). Collection method: clinical testing. Allele origin: germline.
Comment: This sequence change creates a premature translational stop signal (p.Thr121Asnfs*70) in the GRHPR gene. It is expected to result in an absent or disrupted protein product. Loss-of-function variants in GRHPR are known to be pathogenic (PMID: 25644115). This variant is present in population databases (rs749029919, gnomAD 0.003%). This variant has not been reported in the literature in individuals affected with GRHPR-related conditions. ClinVar contains an entry for this variant (Variation ID: 1075299). For these reasons, this variant has been classified as Pathogenic.

Literature cited by the submitters: PubMed 25644115.